The following is an entry in ClinVar:

ClinVar aggregate classification (germline): Benign/Likely benign. Review status: criteria provided, multiple submitters, no conflicts (2 of 4 stars). 11 submissions from 11 submitters: Benign (6); Likely benign (2). 3 of the submissions do not count toward it. Last evaluated 2026-02-02.

Conditions:
Usher syndrome type 2C. Also called: Usher syndrome, type 2B; USHER SYNDROME, TYPE IIC. Identifiers: Orphanet 231178, Orphanet 886, MedGen C2931213, MONDO:0011558, OMIM 605472.

Allele frequency attached by ClinVar (database versions not stated): ESP Exome Variant Server 0.01018; gnomAD 0.01026 and 0.01100; TOPMed 0.01172; 1000 Genomes Project 0.01198; 1000 Genomes Project 30x 0.01202.
gnomAD v4.1: 3,060 of 1,554,742 alleles (0.2%); highest among the groups gnomAD compares: African/African-American, 3.5%; 55 homozygotes.

Submissions (11):

Labcorp Genetics (formerly Invitae), Labcorp
Classification: Benign. Last evaluated: 2026-02-02. Review status: criteria provided, single submitter. Criteria: Invitae Variant Classification Sherloc (09022015). Collection method: clinical testing. Allele origin: germline.

Athena Diagnostics
Classification: Benign. Last evaluated: 2024-07-02. Review status: criteria provided, single submitter. Criteria: Athena Diagnostics Criteria. Collection method: clinical testing. Allele origin: unknown.

Mayo Clinic Laboratories, Mayo Clinic
Classification: Benign. Last evaluated: 2022-08-31. Review status: criteria provided, single submitter. Criteria: ACMG Guidelines, 2015. Collection method: clinical testing. Allele origin: germline. Observed: 3 variant alleles.
Comment: BA1, BS2

GeneDx
Classification: Benign. Last evaluated: 2018-01-22. Review status: criteria provided, single submitter. Criteria: GeneDx Variant Classification (06012015). Collection method: clinical testing. Allele origin: germline. Affected: yes.
Comment: This variant is considered likely benign or benign based on one or more of the following criteria: it is a conservative change, it occurs at a poorly conserved position in the protein, it is predicted to be benign by multiple in silico algorithms, and/or has population frequency not consistent with disease.

Center for Pediatric Genomic Medicine, Children's Mercy Hospital and Clinics
Classification: Likely benign. Last evaluated: 2017-06-12. Review status: criteria provided, single submitter. Criteria: ACMG Guidelines, 2015. Collection method: clinical testing. Allele origin: germline.

Illumina Laboratory Services, Illumina
Classification: Benign for Usher syndrome type 2C. Last evaluated: 2017-04-27. Review status: criteria provided, single submitter. Criteria: ICSL Variant Classification Criteria 13 December 2019. Collection method: clinical testing. Allele origin: germline.
Comment: This variant was observed as part of a predisposition screen in an ostensibly healthy population. A literature search was performed for the gene, cDNA change, and amino acid change (where applicable). No publications were found based on this search. Allele frequency data from public databases was too high to be consistent with this variant causing disease. Therefore, this variant is classified as benign.

Laboratory for Molecular Medicine, Mass General Brigham Personalized Medicine
Classification: Benign. Last evaluated: 2012-04-30. Review status: criteria provided, single submitter. Criteria: LMM Criteria. Collection method: clinical testing. Allele origin: germline. Observed: 16 variant alleles.
Comment: 7945+6C>T in Intron 33 of GPR98: This variant is not expected to have clinical s ignificance because it has been identified in 3.4% (106/3074) of African America n chromosomes from a broad population by the NHLBI Exome Sequencing Project (dbSNP rs139278305).

Breakthrough Genomics
Classification: Likely benign. Review status: criteria provided, single submitter. Criteria: ACMG Guidelines, 2015. Collection method: not provided. Allele origin: germline. Inheritance: Autosomal recessive inheritance. Affected: yes.

Clinical Genetics DNA and cytogenetics Diagnostics Lab, Erasmus MC, Erasmus Medical Center
Classification: Benign. Review status: no assertion criteria provided. Collection method: clinical testing. Allele origin: germline. Affected: yes. Study: VKGL Data-share Consensus. Not counted in ClinVar's aggregate classification.

Genetic Services Laboratory, University of Chicago
Classification: Likely benign. Review status: no assertion criteria provided. Collection method: clinical testing. Allele origin: germline. Inheritance: Autosomal dominant inheritance. Not counted in ClinVar's aggregate classification.
Comment: Likely benign based on allele frequency in 1000 Genomes Project or ESP global frequency and its presence in a patient with a rare or unrelated disease phenotype. NOT Sanger confirmed

Genome Diagnostics Laboratory, University Medical Center Utrecht
Classification: Likely benign. Review status: no assertion criteria provided. Collection method: clinical testing. Allele origin: germline. Affected: yes. Study: VKGL Data-share Consensus. Not counted in ClinVar's aggregate classification.

NM_032119.4(ADGRV1):c.7945+6C>T

Gene: ADGRV1 (adhesion G protein-coupled receptor V1; plus strand). Cytogenetic location: 5q14.3.
Variant type: single nucleotide variant.
Coding change: c.7945+6C>T on transcript NM_032119.4 (MANE Select); 6 bases into the intron after coding-DNA position 7945, C replaced by T.
Molecular consequence: intron variant.
Genome position (GRCh38, 1-based): chr5:90,694,707, C>T. VCF-style: chr5-90694707-C-T. GRCh37 (hg19) VCF-style: chr5-89990524-C-T.
Other names: p.?.
Identifiers: ClinVar variation 46382 (VCV000046382.29), dbSNP rs139278305, ClinGen allele CA138230.